The following is an entry in ClinVar:

NM_001035.3(RYR2):c.12647C>A (p.Ala4216Glu)

Genes: RYR2 (ryanodine receptor 2; plus strand), LOC126806068 (BRD4-independent group 4 enhancer GRCh37_chr1:237947411-237948610; plus strand). Cytogenetic location: 1q43.
Variant type: single nucleotide variant.
Coding change: c.12647C>A on transcript NM_001035.3 (MANE Select); coding-DNA position 12647, C replaced by A.
Protein change: p.Ala4216Glu; replaces alanine 4216 with glutamic acid.
Molecular consequence: missense variant.
Genome position (GRCh38, 1-based): chr1:237,784,359, C>A. VCF-style: chr1-237784359-C-A. GRCh37 (hg19) VCF-style: chr1-237947659-C-A.
Other names: short protein forms A4216E.
Identifiers: ClinVar variation 1763746 (VCV001763746.9), dbSNP rs375950722, ClinGen allele CA345413825.

ClinVar aggregate classification (germline): Uncertain significance. Review status: criteria provided, multiple submitters, no conflicts (2 of 4 stars). 3 submissions from 3 submitters: Uncertain significance (3). Last evaluated 2024-04-10.

Conditions:
Cardiovascular phenotype. Identifiers: MedGen CN230736.
Catecholaminergic polymorphic ventricular tachycardia 1. Also called: VENTRICULAR TACHYCARDIA, CATECHOLAMINERGIC POLYMORPHIC, 1, WITH OR WITHOUT ATRIAL DYSFUNCTION AND/OR DILATED CARDIOMYOPATHY; VENTRICULAR TACHYCARDIA, STRESS-INDUCED POLYMORPHIC 1; RYR2-Related Catecholaminergic Polymorphic Ventricular Tachycardia. Identifiers: Orphanet 3286, MedGen C1631597, MONDO:0011484, OMIM 604772.
Catecholaminergic polymorphic ventricular tachycardia (CVPT). Also called: Catecholamine-induced polymorphic ventricular tachycardia. Identifiers: Orphanet 3286, MedGen C5574922, MONDO:0017990.

gnomAD v4.1: 2 of 1,613,574 alleles (0.00012%); highest among the groups gnomAD compares: Non-Finnish European, 0.00017%; no homozygotes.

Submissions (3):

All of Us Research Program, National Institutes of Health
Classification: Uncertain significance for Catecholaminergic polymorphic ventricular tachycardia. Last evaluated: 2024-04-10. Review status: criteria provided, single submitter. Criteria: ACMG Guidelines, 2015. Collection method: clinical testing. Allele origin: germline. Inheritance: Autosomal dominant inheritance. Observed: 2 variant alleles, 2 heterozygotes.
Comment: This missense variant replaces alanine with glutamic acid at codon 4216 of the RYR2 protein. Computational prediction suggests that this variant may not impact protein structure and function (internally defined REVEL score threshold <= 0.5, PMID: 27666373). To our knowledge, functional studies have not been reported for this variant. This variant has not been reported in individuals affected with RYR2-related disorders in the literature. This variant has not been identified in the general population by the Genome Aggregation Database (gnomAD). The available evidence is insufficient to determine the role of this variant in disease conclusively. Therefore, this variant is classified as a Variant of Uncertain Significance.

This study involves interpretation of variants in research participants for the purpose of population health screening. Participant phenotype was not available at the time of variant classification. Additional details can be found in publication PMID: 35346344, PMCID: PMC8962531

Labcorp Genetics (formerly Invitae), Labcorp
Classification: Uncertain significance for Catecholaminergic polymorphic ventricular tachycardia 1. Last evaluated: 2022-11-15. Review status: criteria provided, single submitter. Criteria: Invitae Variant Classification Sherloc (09022015). Collection method: clinical testing. Allele origin: germline.
Comment: This sequence change replaces alanine, which is neutral and non-polar, with glutamic acid, which is acidic and polar, at codon 4216 of the RYR2 protein (p.Ala4216Glu). In summary, the available evidence is currently insufficient to determine the role of this variant in disease. Therefore, it has been classified as a Variant of Uncertain Significance. Advanced modeling of protein sequence and biophysical properties (such as structural, functional, and spatial information, amino acid conservation, physicochemical variation, residue mobility, and thermodynamic stability) performed at Invitae indicates that this missense variant is not expected to disrupt RYR2 protein function. This variant has not been reported in the literature in individuals affected with RYR2-related conditions. This variant is not present in population databases (gnomAD no frequency).

Ambry Genetics
Classification: Uncertain significance for Cardiovascular phenotype. Last evaluated: 2021-09-07. Review status: criteria provided, single submitter. Criteria: Ambry Variant Classification Scheme 2023. Collection method: clinical testing. Allele origin: germline.
Comment: The p.A4216E variant (also known as c.12647C>A), located in coding exon 90 of the RYR2 gene, results from a C to A substitution at nucleotide position 12647. The alanine at codon 4216 is replaced by glutamic acid, an amino acid with dissimilar properties. This amino acid position is not well conserved in available vertebrate species. In addition, this alteration is predicted to be tolerated by in silico analysis. Since supporting evidence is limited at this time, the clinical significance of this alteration remains unclear.